The following is an entry in ClinVar:

NM_001289104.2(PRKCSH):c.1292T>C (p.Val431Ala)

Gene: PRKCSH (PRKCSH beta subunit of glucosidase II; plus strand). Cytogenetic location: 19p13.2.
Variant type: single nucleotide variant.
Coding change: c.1292T>C on transcript NM_001289104.2 (MANE Select); coding-DNA position 1292, T replaced by C.
Protein change: p.Val431Ala; replaces valine 431 with alanine.
Molecular consequence: missense variant.
Genome position (GRCh38, 1-based): chr19:11,448,919, T>C. VCF-style: chr19-11448919-T-C. GRCh37 (hg19) VCF-style: chr19-11559734-T-C.
Other names: c.1262T>C, p.Val421Ala (NM_001001329.3, NM_001289102.2, NM_001379609.1); c.1292T>C, p.Val431Ala (NM_001289103.2); c.1271T>C, p.Val424Ala (NM_001379608.1, NM_002743.3); short protein forms V424A, V421A, V431A.
Identifiers: ClinVar variation 328193 (VCV000328193.15), dbSNP rs143784110, ClinGen allele CA9213262.
Genomic context (GRCh38, chr19:11,448,919, plus strand): 5'-GGGAGGAGGCTGGAATCCCTGCGTTCCCCAACCCATATGTCCCGGTCCTCCACAGATACG[T>C]CTACCGCCTCTGCCCCTTCAAGCTTGTCTCGCAGAAACCCAAACTCGGGGGCTCTCCCAC-3'
Protein context (NP_001276033.1, residues 421-441): QCYELTTNEY[Val431Ala]YRLCPFKLVS

ClinVar aggregate classification (germline): Benign/Likely benign. Review status: criteria provided, multiple submitters, no conflicts (2 of 4 stars). 4 submissions from 4 submitters: Benign (1); Likely benign (3). Last evaluated 2025-10-18.

Conditions:
Polycystic liver disease 1 (PCLD1). Also called: Polycystic liver disease 1 with or without kidney cysts. Identifiers: Orphanet 2924, MedGen C0887850, MONDO:0008265, OMIM 174050.

Allele frequency attached by ClinVar (database versions not stated): ESP Exome Variant Server 0.00015; gnomAD 0.00032 and 0.00035; TOPMed 0.00043; ExAC 0.00056; gnomAD exomes 0.00062 and 0.00068.
gnomAD v4.1: 1,025 of 1,614,102 alleles (0.064%); highest among the groups gnomAD compares: Admixed American, 0.16%; 3 homozygotes.

Submissions (4):

Labcorp Genetics (formerly Invitae), Labcorp
Classification: Likely benign. Last evaluated: 2025-10-18. Review status: criteria provided, single submitter. Criteria: Invitae Variant Classification Sherloc (09022015). Collection method: clinical testing. Allele origin: germline.

Blueprint Genetics
Classification: Likely benign. Last evaluated: 2024-09-13. Review status: criteria provided, single submitter. Criteria: ACMG Guidelines, 2015. Collection method: clinical testing. Allele origin: germline.

Department of Pathology and Laboratory Medicine, Sinai Health System
Classification: Likely benign for Polycystic liver disease 1. Last evaluated: 2022-02-22. Review status: criteria provided, single submitter. Criteria: ACMG Guidelines, 2015. Collection method: research. Allele origin: germline.

Illumina Laboratory Services, Illumina
Classification: Benign for Polycystic liver disease 1. Last evaluated: 2018-01-13. Review status: criteria provided, single submitter. Criteria: ICSL Variant Classification Criteria 13 December 2019. Collection method: clinical testing. Allele origin: germline.
Comment: This variant was observed in the ICSL laboratory as part of a predisposition screen in an ostensibly healthy population. It had not been previously curated by ICSL or reported in the Human Gene Mutation Database (HGMD: prior to June 1st, 2018), and was therefore a candidate for classification through an automated scoring system. Utilizing variant allele frequency, disease prevalence and penetrance estimates, and inheritance mode, an automated score was calculated to assess if this variant is too frequent to cause the disease. Based on the score and internal cut-off values, a variant classified as benign is not then subjected to further curation. The score for this variant resulted in a classification of benign for this disease.